The following is an entry in ClinVar:

ClinVar aggregate classification (germline): Uncertain significance (1 of 4 stars; one submission).

Conditions:
Gnathodiaphyseal dysplasia (GDD). Also called: GNATHODIAPHYSEAL SCLEROSIS; OSTEOGENESIS IMPERFECTA WITH UNUSUAL SKELETAL LESIONS. Identifiers: Orphanet 53697, MedGen C1833736, MONDO:0008151, OMIM 166260.
Autosomal recessive limb-girdle muscular dystrophy type 2L (LGMDR12). Also called: MUSCULAR DYSTROPHY, LIMB-GIRDLE, AUTOSOMAL RECESSIVE 12; Limb-girdle muscular dystrophy, type 2L; Limb-Girdle Muscular Dystrophy R12 Anoctamin-5-Related (LGMD-R12). Identifiers: Orphanet 206549, MedGen C1969785, MONDO:0012652, OMIM 611307.

Submission:

Labcorp Genetics (formerly Invitae), Labcorp
Classification: Uncertain significance for Autosomal recessive limb-girdle muscular dystrophy type 2L; Gnathodiaphyseal dysplasia. Last evaluated: 2022-06-09. Review status: criteria provided, single submitter. Criteria: Invitae Variant Classification Sherloc (09022015). Collection method: clinical testing. Allele origin: germline.
Comment: In summary, the available evidence is currently insufficient to determine the role of this variant in disease. Therefore, it has been classified as a Variant of Uncertain Significance. Advanced modeling of protein sequence and biophysical properties (such as structural, functional, and spatial information, amino acid conservation, physicochemical variation, residue mobility, and thermodynamic stability) performed at Invitae indicates that this missense variant is expected to disrupt ANO5 protein function. This variant has not been reported in the literature in individuals affected with ANO5-related conditions. This variant is not present in population databases (gnomAD no frequency). This sequence change replaces cysteine, which is neutral and slightly polar, with glycine, which is neutral and non-polar, at codon 369 of the ANO5 protein (p.Cys369Gly).

NM_213599.3(ANO5):c.1105T>G (p.Cys369Gly)

Gene: ANO5 (anoctamin 5; plus strand). Cytogenetic location: 11p14.3.
Variant type: single nucleotide variant.
Coding change: c.1105T>G on transcript NM_213599.3 (MANE Select); coding-DNA position 1105, T replaced by G.
Protein change: p.Cys369Gly; replaces cysteine 369 with glycine.
Molecular consequence: missense variant.
Genome position (GRCh38, 1-based): chr11:22,250,832, T>G. VCF-style: chr11-22250832-T-G. GRCh37 (hg19) VCF-style: chr11-22272378-T-G.
Other names: c.1102T>G, p.Cys368Gly (NM_001142649.2); c.1063T>G, p.Cys355Gly (NM_001410963.1); c.1060T>G, p.Cys354Gly (NM_001410964.1); short protein forms C354G, C355G, C368G, C369G.
Identifiers: ClinVar variation 2003887 (VCV002003887.4), dbSNP rs2494259703, ClinGen allele CA379921147.